The following is an entry in ClinVar:

NM_181809.4(BMP8A):c.327C>T (p.Val109=)

Gene: BMP8A (bone morphogenetic protein 8a; plus strand). Cytogenetic location: 1p34.3.
Variant type: single nucleotide variant.
Coding change: c.327C>T on transcript NM_181809.4 (MANE Select); coding-DNA position 327, C replaced by T.
Protein change: p.Val109=; no amino-acid change (valine 109 retained).
Molecular consequence: synonymous variant.
Genome position (GRCh38, 1-based): chr1:39,492,318, C>T. VCF-style: chr1-39492318-C-T. GRCh37 (hg19) VCF-style: chr1-39957990-C-T.
Identifiers: ClinVar variation 2638714 (VCV002638714.24), dbSNP rs4012665, ClinGen allele CA785020.
Genomic context (GRCh38, chr1:39,492,318, plus strand): 5'-CGAGGACGGCGCGCCCGCGGAGCAGCGCCTGGGCCGCGCCGACCTGGTCATGAGCTTCGT[C>T]AACATGGGTGAGTGCGGCCGCCCGCGCGGGGACCCTCGGAGTAAGCTGGCTGCAGGGGAG-3'
Protein context (NP_861525.2, residues 99-119): LGRADLVMSF[Val109=]NMVERDRALG

ClinVar aggregate classification (germline): Likely benign (1 of 4 stars; one submission).

Allele frequency attached by ClinVar (database versions not stated): ExAC 0.00003; gnomAD exomes 0.00006; gnomAD 0.00011; TOPMed 0.00015.
gnomAD v4.1: 101 of 1,559,646 alleles (0.0065%); highest among the groups gnomAD compares: Admixed American, 0.024%; no homozygotes.

Submission:

CeGaT Center for Human Genetics Tuebingen
Classification: Likely benign. Last evaluated: 2022-07-01. Review status: criteria provided, single submitter. Criteria: CeGaT Center For Human Genetics Tuebingen Variant Classification Criteria Version 2. Collection method: clinical testing. Allele origin: germline. Affected: yes. Observed: 1 variant allele.
Comment: BMP8A: BP4, BP7